The following is an entry in ClinVar:

ClinVar aggregate classification (germline): Conflicting classifications of pathogenicity. Review status: criteria provided, conflicting classifications (1 of 4 stars). 7 submissions from 7 submitters: Uncertain significance (6); Benign (1). Last evaluated 2025-09-11.

Conditions:
Lynch syndrome. Identifiers: Orphanet 144, MedGen C4552100, MONDO:0005835. Disease mechanism: loss of function.
Hereditary cancer-predisposing syndrome. Also called: Tumor predisposition; Hereditary Cancer Syndrome; Neoplastic Syndromes, Hereditary; Hereditary neoplastic syndrome. Identifiers: Orphanet 140162, MedGen C0027672, MeSH D009386, MONDO:0015356.
Hereditary nonpolyposis colorectal neoplasms. Identifiers: MedGen C0009405, MeSH D003123.
Endometrial carcinoma. Also called: Endometrial carcinoma, somatic. Identifiers: MedGen C0476089, MONDO:0002447, OMIM 608089, HP:0012114.

Allele frequency attached by ClinVar (database versions not stated): gnomAD exomes 0.00001.
gnomAD v4.1: 14 of 1,613,908 alleles (0.00087%); highest among the groups gnomAD compares: Non-Finnish European, 0.00093%; 1 homozygote.

Submissions (7):

Labcorp Genetics (formerly Invitae), Labcorp
Classification: Benign for Hereditary nonpolyposis colorectal neoplasms. Last evaluated: 2025-09-11. Review status: criteria provided, single submitter. Criteria: Invitae Variant Classification Sherloc (09022015). Collection method: clinical testing. Allele origin: germline.

GeneDx
Classification: Uncertain significance. Last evaluated: 2025-01-22. Review status: criteria provided, single submitter. Criteria: GeneDx Variant Classification Process June 2021. Collection method: clinical testing. Allele origin: germline. Affected: yes.
Comment: Not observed at significant frequency in large population cohorts (gnomAD); In silico analysis supports that this missense variant has a deleterious effect on protein structure/function; Has not been previously published as pathogenic or benign to our knowledge

Ambry Genetics
Classification: Uncertain significance for Hereditary cancer-predisposing syndrome. Last evaluated: 2024-06-17. Review status: criteria provided, single submitter. Criteria: Ambry Variant Classification Scheme 2023. Collection method: clinical testing. Allele origin: germline.

All of Us Research Program, National Institutes of Health
Classification: Uncertain significance for Lynch syndrome. Last evaluated: 2024-04-17. Review status: criteria provided, single submitter. Criteria: ACMG Guidelines, 2015. Collection method: clinical testing. Allele origin: germline. Inheritance: Autosomal dominant inheritance. Observed: 1 variant allele, 1 heterozygote.
Comment: This study involves interpretation of variants in research participants for the purpose of population health screening. Participant phenotype was not available at the time of variant classification. Additional details can be found in publication PMID: 35346344, PMCID: PMC8962531

Baylor Genetics
Classification: Uncertain significance for Endometrial carcinoma. Last evaluated: 2023-12-15. Review status: criteria provided, single submitter. Criteria: ACMG Guidelines, 2015. Collection method: clinical testing. Allele origin: unknown.

Color Diagnostics, LLC DBA Color Health
Classification: Uncertain significance for Hereditary cancer-predisposing syndrome. Last evaluated: 2023-12-05. Review status: criteria provided, single submitter. Criteria: ACMG Guidelines, 2015. Collection method: clinical testing. Allele origin: germline.
Comment: This missense variant replaces lysine with arginine at codon 1296 of the MSH6 protein. Computational prediction is inconclusive regarding the impact of this variant on protein structure and function (internally defined REVEL score threshold 0.5 < inconclusive < 0.7, PMID: 27666373). To our knowledge, functional studies have not been reported for this variant. This variant has not been reported in individuals affected with MSH6-related disorders in the literature. This variant has not been identified in the general population by the Genome Aggregation Database (gnomAD). The available evidence is insufficient to determine the role of this variant in disease conclusively. Therefore, this variant is classified as a Variant of Uncertain Significance.

Blueprint Genetics
Classification: Uncertain significance. Last evaluated: 2019-07-31. Review status: criteria provided, single submitter. Criteria: ACMG Guidelines, 2015. Collection method: clinical testing. Allele origin: germline.

NM_000179.3(MSH6):c.3887A>G (p.Lys1296Arg)

Gene: MSH6 (mutS homolog 6; plus strand). Cytogenetic location: 2p16.3.
Variant type: single nucleotide variant.
Coding change: c.3887A>G on transcript NM_000179.3 (MANE Select); coding-DNA position 3887, A replaced by G.
Protein change: p.Lys1296Arg; replaces lysine 1296 with arginine.
Molecular consequence: missense variant.
Genome position (GRCh38, 1-based): chr2:47,806,537, A>G. VCF-style: chr2-47806537-A-G. GRCh37 (hg19) VCF-style: chr2-48033676-A-G.
Other names: c.3497A>G, p.Lys1166Arg (NM_001281492.2); c.2981A>G, p.Lys994Arg (NM_001281493.2, NM_001281494.2); short protein forms K1296R, K1166R, K994R.
Identifiers: ClinVar variation 490013 (VCV000490013.20), dbSNP rs1553333526, ClinGen allele CA346761389.